The following is an entry in ClinVar:

NM_024747.6(HPS6):c.1540C>T (p.Pro514Ser)

Gene: HPS6 (HPS6 biogenesis of lysosomal organelles complex 2 subunit 3; plus strand). Cytogenetic location: 10q24.32.
Variant type: single nucleotide variant.
Coding change: c.1540C>T on transcript NM_024747.6 (MANE Select); coding-DNA position 1540, C replaced by T.
Protein change: p.Pro514Ser; replaces proline 514 with serine.
Molecular consequence: missense variant.
Genome position (GRCh38, 1-based): chr10:102,067,014, C>T. VCF-style: chr10-102067014-C-T. GRCh37 (hg19) VCF-style: chr10-103826771-C-T.
Other names: short protein forms P514S.
Identifiers: ClinVar variation 2004060 (VCV002004060.4), dbSNP rs2540988132, ClinGen allele CA377868869.

ClinVar aggregate classification (germline): Uncertain significance (1 of 4 stars; one submission).

Submission:

Labcorp Genetics (formerly Invitae), Labcorp
Classification: Uncertain significance. Last evaluated: 2022-06-09. Review status: criteria provided, single submitter. Criteria: Invitae Variant Classification Sherloc (09022015). Collection method: clinical testing. Allele origin: germline.
Comment: In summary, the available evidence is currently insufficient to determine the role of this variant in disease. Therefore, it has been classified as a Variant of Uncertain Significance. Algorithms developed to predict the effect of missense changes on protein structure and function (SIFT, PolyPhen-2, Align-GVGD) all suggest that this variant is likely to be disruptive. This variant has not been reported in the literature in individuals affected with HPS6-related conditions. This variant is not present in population databases (gnomAD no frequency). This sequence change replaces proline, which is neutral and non-polar, with serine, which is neutral and polar, at codon 514 of the HPS6 protein (p.Pro514Ser).